The following is an entry in ClinVar:

NM_001099922.3(ALG13):c.1709G>A (p.Gly570Glu)

Gene: ALG13 (ALG13 UDP-N-acetylglucosaminyltransferase subunit; plus strand). Cytogenetic location: Xq23.
Variant type: single nucleotide variant.
Coding change: c.1709G>A on transcript NM_001099922.3 (MANE Select); coding-DNA position 1709, G replaced by A.
Protein change: p.Gly570Glu; replaces glycine 570 with glutamic acid.
Molecular consequence: missense variant. On other transcripts: non-coding transcript variant (1).
Genome position (GRCh38, 1-based): chrX:111,725,041, G>A. VCF-style: chrX-111725041-G-A. GRCh37 (hg19) VCF-style: chrX-110968269-G-A.
Other names: c.1397G>A, p.Gly466Glu (NM_001257230.2, NM_001257234.2, NM_001257237.2); c.1475G>A, p.Gly492Glu (NM_001257231.2); c.1709G>A, p.Gly570Glu (NM_001324292.2); c.1223G>A, p.Gly408Glu (NM_001324293.1); short protein forms G492E, G408E, G466E, G570E.
Identifiers: ClinVar variation 1778508 (VCV001778508.5), dbSNP rs2525887157, ClinGen allele CA414252357.

ClinVar aggregate classification (germline): Uncertain significance. Review status: criteria provided, multiple submitters, no conflicts (2 of 4 stars). 4 submissions from 4 submitters: Uncertain significance (4). Last evaluated 2025-04-18.

Conditions:
Inborn genetic diseases. Identifiers: MedGen C0950123, MeSH D030342.
Developmental and epileptic encephalopathy, 36 (DEE36). Also called: Congenital disorder of glycosylation, type Is; ALG13-CDG; Epileptic encephalopathy, early infantile, 36. Identifiers: Orphanet 324422, MedGen C4317295, MONDO:0010472, OMIM 300884.

Allele frequency attached by ClinVar (database versions not stated): gnomAD exomes below 0.00001.
gnomAD v4.1: 2 of 1,211,042 alleles (0.00017%); highest among the groups gnomAD compares: Admixed American, 0.0043%; no homozygotes.

Submissions (4):

Labcorp Genetics (formerly Invitae), Labcorp
Classification: Uncertain significance for Developmental and epileptic encephalopathy, 36. Last evaluated: 2025-04-18. Review status: criteria provided, single submitter. Criteria: Invitae Variant Classification Sherloc (09022015). Collection method: clinical testing. Allele origin: germline.
Comment: This sequence change replaces glycine, which is neutral and non-polar, with glutamic acid, which is acidic and polar, at codon 570 of the ALG13 protein (p.Gly570Glu). This variant is not present in population databases (gnomAD no frequency). This missense change has been observed in individual(s) with congenital disorders of glycosylation (PMID: 35240324). ClinVar contains an entry for this variant (Variation ID: 1778508). Invitae Evidence Modeling of protein sequence and biophysical properties (such as structural, functional, and spatial information, amino acid conservation, physicochemical variation, residue mobility, and thermodynamic stability) has been performed for this missense variant. However, the output from this modeling did not meet the statistical confidence thresholds required to predict the impact of this variant on ALG13 protein function. In summary, the available evidence is currently insufficient to determine the role of this variant in disease. Therefore, it has been classified as a Variant of Uncertain Significance.

Women's Health and Genetics/Laboratory Corporation of America, LabCorp
Classification: Uncertain significance. Last evaluated: 2025-03-25. Review status: criteria provided, single submitter. Criteria: LabCorp Variant Classification Summary - May 2015. Collection method: clinical testing. Allele origin: germline.
Comment: Variant summary: ALG13 c.1709G>A (p.Gly570Glu) results in a non-conservative amino acid change located in the TDRD13 domain of the encoded protein sequence. Three of five in-silico tools predict a damaging effect of the variant on protein function. The variant was absent in 177345 control chromosomes. The available data on variant occurrences in the general population are insufficient to allow any conclusion about variant significance. These report(s) do not provide unequivocal conclusions about association of the variant with Epileptic Encephalopathy, Early Infantile, 36. To our knowledge, no experimental evidence demonstrating an impact on protein function has been reported. The following publication has been ascertained in the context of this evaluation (PMID: 35240324). ClinVar contains an entry for this variant (Variation ID: 1778508). Based on the evidence outlined above, the variant was classified as uncertain significance.

GeneDx
Classification: Uncertain significance. Last evaluated: 2023-07-26. Review status: criteria provided, single submitter. Criteria: GeneDx Variant Classification Process June 2021. Collection method: clinical testing. Allele origin: germline. Affected: yes.
Comment: Not observed at significant frequency in large population cohorts (gnomAD); In silico analysis supports that this missense variant has a deleterious effect on protein structure/function; This variant is associated with the following publications: (PMID: 35240324)

Ambry Genetics
Classification: Uncertain significance for Inborn genetic diseases. Last evaluated: 2019-12-27. Review status: criteria provided, single submitter. Criteria: Ambry Variant Classification Scheme 2023. Collection method: clinical testing. Allele origin: germline.
Comment: The p.G570E variant (also known as c.1709G>A), located in coding exon 15 of the ALG13 gene, results from a G to A substitution at nucleotide position 1709. The glycine at codon 570 is replaced by glutamic acid, an amino acid with similar properties. This amino acid position is well conserved in available vertebrate species. In addition, this alteration is predicted to be tolerated by in silico analysis. Since supporting evidence is limited at this time, the clinical significance of this alteration remains unclear.

Literature cited by the submitters: PubMed 35240324 (cited by Labcorp Genetics (formerly Invitae), Labcorp and Women's Health and Genetics/Laboratory Corporation of America, LabCorp).